The following is an entry in ClinVar:

ClinVar aggregate classification (germline): Uncertain significance. Review status: criteria provided, multiple submitters, no conflicts (2 of 4 stars). 6 submissions from 6 submitters: Uncertain significance (6). Last evaluated 2026-01-12.

Conditions:
Hereditary cancer-predisposing syndrome. Also called: Hereditary Cancer Syndrome; Neoplastic Syndromes, Hereditary; Tumor predisposition; Hereditary neoplastic syndrome. Identifiers: Orphanet 140162, MedGen C0027672, MeSH D009386, MONDO:0015356.
Colorectal cancer, susceptibility to, 12 (CRCS12). Also called: COLORECTAL CANCER, SUSCEPTIBILITY TO, ON CHROMOSOME 12q24. Identifiers: Orphanet 220460, MedGen C3554460, MONDO:0014038, OMIM 615083.

Allele frequency attached by ClinVar (database versions not stated): TOPMed 0.00002.
gnomAD v4.1: 17 of 1,612,906 alleles (0.0011%); highest among the groups gnomAD compares: Non-Finnish European, 0.0014%; no homozygotes.

Submissions (6):

Labcorp Genetics (formerly Invitae), Labcorp
Classification: Uncertain significance. Last evaluated: 2026-01-12. Review status: criteria provided, single submitter. Criteria: Invitae Variant Classification Sherloc (09022015). Collection method: clinical testing. Allele origin: germline.
Comment: This sequence change replaces lysine, which is basic and polar, with isoleucine, which is neutral and non-polar, at codon 136 of the POLE protein (p.Lys136Ile). This variant is present in population databases (no rsID available, gnomAD 0.002%). This variant has not been reported in the literature in individuals affected with POLE-related conditions. ClinVar contains an entry for this variant (Variation ID: 850323). Invitae Evidence Modeling of protein sequence and biophysical properties (such as structural, functional, and spatial information, amino acid conservation, physicochemical variation, residue mobility, and thermodynamic stability) indicates that this missense variant is expected to disrupt POLE protein function with a positive predictive value of 80%. In summary, the available evidence is currently insufficient to determine the role of this variant in disease. Therefore, it has been classified as a Variant of Uncertain Significance.

Ambry Genetics
Classification: Uncertain significance for Hereditary cancer-predisposing syndrome. Last evaluated: 2025-09-18. Review status: criteria provided, single submitter. Criteria: Ambry Variant Classification Scheme 2023. Collection method: clinical testing. Allele origin: germline.
Comment: The p.K136I variant (also known as c.407A>T), located in coding exon 5 of the POLE gene, results from an A to T substitution at nucleotide position 407. The lysine at codon 136 is replaced by isoleucine, an amino acid with dissimilar properties. This amino acid position is conserved. In addition, the in silico prediction for this alteration is inconclusive. Since supporting evidence is limited at this time, the clinical significance of this alteration remains unclear.

Center for Genomic Medicine, Rigshospitalet, Copenhagen University Hospital
Classification: Uncertain significance. Last evaluated: 2025-03-04. Review status: criteria provided, single submitter. Criteria: ACMG Guidelines, 2015. Collection method: clinical testing. Allele origin: germline.

CeGaT Center for Human Genetics Tuebingen
Classification: Uncertain significance. Last evaluated: 2023-11-01. Review status: criteria provided, single submitter. Criteria: CeGaT Center For Human Genetics Tuebingen Variant Classification Criteria Version 2. Collection method: clinical testing. Allele origin: germline. Affected: yes. Observed: 1 variant allele.

GeneDx
Classification: Uncertain significance. Last evaluated: 2022-12-14. Review status: criteria provided, single submitter. Criteria: GeneDx Variant Classification Process June 2021. Collection method: clinical testing. Allele origin: germline. Affected: yes.
Comment: Not observed at significant frequency in large population cohorts (gnomAD); In silico analysis supports that this missense variant has a deleterious effect on protein structure/function; Has not been previously published as pathogenic or benign to our knowledge

MGZ Medical Genetics Center
Classification: Uncertain significance for Colorectal cancer, susceptibility to, 12. Last evaluated: 2022-07-11. Review status: criteria provided, single submitter. Criteria: ACMG Guidelines, 2015. Collection method: clinical testing. Allele origin: germline. Affected: yes. Observed: 1 variant allele.
Comment: ACMG criteria applied: PM2_SUP, BP4

NM_006231.4(POLE):c.407A>T (p.Lys136Ile)

Gene: POLE (DNA polymerase epsilon, catalytic subunit; minus strand). Cytogenetic location: 12q24.33.
Variant type: single nucleotide variant.
Coding change: c.407A>T on transcript NM_006231.4 (MANE Select); coding-DNA position 407, A replaced by T.
Protein change: p.Lys136Ile; replaces lysine 136 with isoleucine.
Molecular consequence: missense variant.
Genome position (GRCh38, 1-based): chr12:132,679,970, T>A on the plus strand (A>T on the coding strand, the complement: POLE is on the minus strand). VCF-style: chr12-132679970-T-A. GRCh37 (hg19) VCF-style: chr12-133256556-T-A.
Other names: short protein forms K136I.
Identifiers: ClinVar variation 850323 (VCV000850323.39), dbSNP rs752771738, ClinGen allele CA246302317.